The following is an entry in ClinVar:

ClinVar aggregate classification (germline): Likely pathogenic (1 of 4 stars; one submission).

Conditions:
Generalized epilepsy with febrile seizures plus, type 9 (GEFSP9). Also called: GEFS+, TYPE 9. Identifiers: Orphanet 36387, MedGen C4015395, MONDO:0014517, OMIM 616172.

Submission:

Labcorp Genetics (formerly Invitae), Labcorp
Classification: Likely pathogenic for Generalized epilepsy with febrile seizures plus, type 9. Last evaluated: 2023-06-18. Review status: criteria provided, single submitter. Criteria: Invitae Variant Classification Sherloc (09022015). Collection method: clinical testing. Allele origin: germline.
Comment: In summary, the currently available evidence indicates that the variant is pathogenic, but additional data are needed to prove that conclusively. Therefore, this variant has been classified as Likely Pathogenic. This variant has not been reported in the literature in individuals affected with STX1B-related conditions. Information on the frequency of this variant in the gnomAD database is not available, as this variant may be reported differently in the database. This sequence change affects a splice site in intron 5 of the STX1B gene. It is expected to disrupt RNA splicing. Variants that disrupt the donor or acceptor splice site typically lead to a loss of protein function (PMID: 16199547), and loss-of-function variants in STX1B are known to be pathogenic (PMID: 25362483).

Literature cited by the submitters: PubMed 16199547; PubMed 25362483.

NM_052874.5(STX1B):c.355-1_355delinsAA

Gene: STX1B (syntaxin 1B; minus strand). Cytogenetic location: 16p11.2.
Variant type: Indel.
Coding change: c.355-1_355delinsAA on transcript NM_052874.5 (MANE Select); the canonical splice acceptor site of the intron before coding-DNA position 355 through coding-DNA position 355, GC replaced by AA.
Molecular consequence: splice acceptor variant.
Genome position (GRCh38, 1-based): chr16:30,997,059-30,997,060, GC replaced by TT on the plus strand (GC replaced by AA on the coding strand, the reverse complement: STX1B is on the minus strand). VCF-style: chr16-30997059-GC-TT. GRCh37 (hg19) VCF-style: chr16-31008380-GC-TT.
Identifiers: ClinVar variation 2718754 (VCV002718754.3), dbSNP rs2543960013, ClinGen allele CA2697555776.